The following is an entry in ClinVar:

NM_004448.4(ERBB2):c.383C>G (p.Pro128Arg)

Gene: ERBB2 (erb-b2 receptor tyrosine kinase 2; plus strand). Cytogenetic location: 17q12.
Variant type: single nucleotide variant.
Coding change: c.383C>G on transcript NM_004448.4 (MANE Select); coding-DNA position 383, C replaced by G.
Protein change: p.Pro128Arg; replaces proline 128 with arginine.
Molecular consequence: missense variant. On other transcripts: non-coding transcript variant (1), intron variant (1).
Genome position (GRCh38, 1-based): chr17:39,708,478, C>G. VCF-style: chr17-39708478-C-G. GRCh37 (hg19) VCF-style: chr17-37864731-C-G.
Other names: c.293C>G, p.Pro98Arg (NM_001005862.3, NM_001289938.2, NM_001382782.1 and 1 more transcripts); c.338C>G, p.Pro113Arg (NM_001289936.2); c.383C>G, p.Pro128Arg (NM_001289937.2, NM_001382784.1, NM_001382785.1 and 19 more transcripts); c.374C>G, p.Pro125Arg (NM_001382791.1); c.74-3450C>G (NM_001382804.1); c.383C>G (NM_004448.2); short protein forms P128R, P98R, P113R, P125R.
Identifiers: ClinVar variation 134088 (VCV000134088.7), dbSNP rs373824622, ClinGen allele CA158707.
Genomic context (GRCh38, chr17:39,708,478, plus strand): 5'-TTGAGGACAACTATGCCCTGGCCGTGCTAGACAATGGAGACCCGCTGAACAATACCACCC[C>G]TGTCACAGGGGCCTCCCCAGGAGGCCTGCGGGAGCTGCAGCTTCGAAGCCTCACAGGTGG-3'
Protein context (NP_004439.2, residues 118-138): DNGDPLNNTT[Pro128Arg]VTGASPGGLR

ClinVar aggregate classification (germline): Uncertain significance. Review status: criteria provided, multiple submitters, no conflicts (2 of 4 stars). 3 submissions from 3 submitters: Uncertain significance (2). 1 of the submissions does not count toward it. Last evaluated 2025-08-12.

Allele frequency attached by ClinVar (database versions not stated): gnomAD exomes below 0.00001 and 0.00001; gnomAD 0.00001 and 0.00002; ExAC 0.00002; TOPMed 0.00002; ESP Exome Variant Server 0.00008; 1000 Genomes Project 30x 0.00016; 1000 Genomes Project 0.00020.
gnomAD v4.1: 5 of 1,614,206 alleles (0.00031%); highest among the groups gnomAD compares: African/African-American, 0.0053%; no homozygotes.

Submissions (3):

Ambry Genetics
Classification: Uncertain significance. Last evaluated: 2025-08-12. Review status: criteria provided, single submitter. Criteria: Ambry Variant Classification Scheme 2023. Collection method: clinical testing. Allele origin: germline.

Labcorp Genetics (formerly Invitae), Labcorp
Classification: Uncertain significance. Last evaluated: 2024-03-05. Review status: criteria provided, single submitter. Criteria: Invitae Variant Classification Sherloc (09022015). Collection method: clinical testing. Allele origin: germline.
Comment: This sequence change replaces proline, which is neutral and non-polar, with arginine, which is basic and polar, at codon 128 of the ERBB2 protein (p.Pro128Arg). This variant is present in population databases (rs373824622, gnomAD 0.01%). This variant has not been reported in the literature in individuals affected with ERBB2-related conditions. ClinVar contains an entry for this variant (Variation ID: 134088). An algorithm developed to predict the effect of missense changes on protein structure and function (PolyPhen-2) suggests that this variant is likely to be tolerated. In summary, the available evidence is currently insufficient to determine the role of this variant in disease. Therefore, it has been classified as a Variant of Uncertain Significance.

ITMI
No classification provided. Condition: AllHighlyPenetrant. Last evaluated: 2013-09-19. Review status: no classification provided. Collection method: reference population. Allele origin: germline. Not counted in ClinVar's aggregate classification.
Comment: Please see associated publication for description of ethnicities

Literature cited by the submitters: PubMed 24728327 (cited by ITMI).